The following is an entry in ClinVar:

NM_001754.5(RUNX1):c.194C>T (p.Ala65Val)

Gene: RUNX1 (RUNX family transcription factor 1; minus strand). Cytogenetic location: 21q22.12.
Variant type: single nucleotide variant.
Coding change: c.194C>T on transcript NM_001754.5 (MANE Select); coding-DNA position 194, C replaced by T.
Protein change: p.Ala65Val; replaces alanine 65 with valine.
Molecular consequence: missense variant.
Genome position (GRCh38, 1-based): chr21:34,887,000, G>A on the plus strand (C>T on the coding strand, the complement: RUNX1 is on the minus strand). VCF-style: chr21-34887000-G-A. GRCh37 (hg19) VCF-style: chr21-36259297-G-A.
Other names: NM_001754.5(RUNX1):c.194C>T; p.Ala65Val; c.194C>T (NM_001754.4); c.113C>T, p.Ala38Val (NM_001001890.3, NM_001122607.2); short protein forms A65V, A38V.
Identifiers: ClinVar variation 1417387 (VCV001417387.11), dbSNP rs2058002974, ClinGen allele CA410203945.

ClinVar aggregate classification (germline): Uncertain significance. Review status: reviewed by expert panel (3 of 4 stars). 4 submissions from 4 submitters: Uncertain significance (1). 3 of the submissions do not count toward it. Last evaluated 2024-10-29.

Conditions:
Hereditary thrombocytopenia and hematologic cancer predisposition syndrome. Identifiers: Orphanet 71290, MedGen CN281654, MONDO:0011071.
Inborn genetic diseases. Identifiers: MedGen C0950123, MeSH D030342.
Hereditary thrombocytopenia and hematological cancer predisposition syndrome associated with RUNX1. Also called: Familial Platelet Disorder with Propensity to Acute Myelogenous Leukemia; Familial thrombocytopenia with propensity to acute myelogenous leukemia; PLATELET DISORDER, ASPIRIN-LIKE; RUNX1 Familial Platelet Disorder with Associated Myeloid Malignancies. Identifiers: Orphanet 71290, MedGen C1832388, MeSH C563324, MONDO:0100083, OMIM 601399.
Acute myeloid leukemia (AML). Also called: Leukemia, acute myeloid, somatic; Leukemia, acute myelogenous, somatic; Acute myeloid leukemia, adult; AML adult; Acute non-lymphocytic leukemia; Acute granulocytic leukemia. Identifiers: Orphanet 519, MedGen C0023467, MeSH D015470, MONDO:0018874, OMIM 601626, HP:0004808. Disease mechanism: Constitutively activated FLT3.

Allele frequency attached by ClinVar (database versions not stated): gnomAD exomes below 0.00001.
gnomAD v4.1: 1 of 1,604,674 alleles (0.000062%); highest among the groups gnomAD compares: Non-Finnish European, 0.000085%; no homozygotes.

Submissions (4):

ClinGen Myeloid Malignancy Variant Curation Expert Panel
Classification: Uncertain significance for Hereditary thrombocytopenia and hematologic cancer predisposition syndrome. Last evaluated: 2024-10-29. Review status: reviewed by expert panel. Criteria: ClinGen MyeloMalig ACMG Specifications v2. Collection method: curation. Allele origin: germline. Inheritance: Autosomal dominant inheritance.
Comment: NM_001754.5(RUNX1):c.194C>T (p.Ala65Val) is a missense variant which has a REVEL score < 0.50 (0.401) and a SpliceAI score ≤ 0.20 (0.01) (BP4). This variant is completely absent from all population databases with at least 20x coverage for RUNX1 (PM2_Supporting). In summary, the clinical significance of this variant is uncertain. ACMG/AMP criteria applied, as specified by the Myeloid Malignancy Variant Curation Expert Panel for RUNX1: BP4, PM2_supporting.

Ambry Genetics
Classification: Uncertain significance for Inborn genetic diseases. Last evaluated: 2025-04-28. Review status: criteria provided, single submitter. Criteria: Ambry Variant Classification Scheme 2023. Collection method: clinical testing. Allele origin: germline. Not counted in ClinVar's aggregate classification.
Comment: The p.A65V variant (also known as c.194C>T), located in coding exon 3 of the RUNX1 gene, results from a C to T substitution at nucleotide position 194. The alanine at codon 65 is replaced by valine, an amino acid with similar properties. This amino acid position is conserved. In addition, the in silico prediction for this alteration is inconclusive. Based on the available evidence, the clinical significance of this variant remains unclear.

Baylor Genetics
Classification: Uncertain significance for Acute myeloid leukemia. Last evaluated: 2023-08-06. Review status: criteria provided, single submitter. Criteria: ACMG Guidelines, 2015. Collection method: clinical testing. Allele origin: unknown. Not counted in ClinVar's aggregate classification.

Labcorp Genetics (formerly Invitae), Labcorp
Classification: Uncertain significance for Hereditary thrombocytopenia and hematological cancer predisposition syndrome associated with RUNX1. Last evaluated: 2022-09-24. Review status: criteria provided, single submitter. Criteria: Invitae Variant Classification Sherloc (09022015). Collection method: clinical testing. Allele origin: germline. Not counted in ClinVar's aggregate classification.
Comment: Algorithms developed to predict the effect of missense changes on protein structure and function (SIFT, PolyPhen-2, Align-GVGD) all suggest that this variant is likely to be tolerated. This sequence change replaces alanine, which is neutral and non-polar, with valine, which is neutral and non-polar, at codon 65 of the RUNX1 protein (p.Ala65Val). This variant is not present in population databases (gnomAD no frequency). This variant has not been reported in the literature in individuals affected with RUNX1-related conditions. ClinVar contains an entry for this variant (Variation ID: 1417387). In summary, the available evidence is currently insufficient to determine the role of this variant in disease. Therefore, it has been classified as a Variant of Uncertain Significance.